The following is an entry in ClinVar:

NM_002047.4(GARS1):c.1719T>G (p.Asn573Lys)

Gene: GARS1 (glycyl-tRNA synthetase 1; plus strand). Cytogenetic location: 7p14.3.
Variant type: single nucleotide variant.
Coding change: c.1719T>G on transcript NM_002047.4 (MANE Select); coding-DNA position 1719, T replaced by G.
Protein change: p.Asn573Lys; replaces asparagine 573 with lysine.
Molecular consequence: missense variant.
Genome position (GRCh38, 1-based): chr7:30,628,579, T>G. VCF-style: chr7-30628579-T-G. GRCh37 (hg19) VCF-style: chr7-30668195-T-G.
Other names: c.1719T>G (LRG_243t1); c.1557T>G, p.Asn519Lys (NM_001316772.1); short protein forms N573K, N519K.
Identifiers: ClinVar variation 476753 (VCV000476753.9), dbSNP rs1242186885, ClinGen allele CA367129538.
Genomic context (GRCh38, chr7:30,628,579, plus strand): 5'-GTATTTGAGAGAATGTTATTGAATTTCTATCTCTTTTTCAGTGGAAGAAGTTGTTCCGAA[T>G]GTAATTGAACCTTCCTTCGGCCTGGGTAGGATCATGTATACGGTATTTGAACATACATTC-3'
Protein context (NP_002038.2, residues 563-583): KTLYVEEVVP[Asn573Lys]VIEPSFGLGR

ClinVar aggregate classification (germline): Uncertain significance. Review status: criteria provided, multiple submitters, no conflicts (2 of 4 stars). 2 submissions from 2 submitters: Uncertain significance (2). Last evaluated 2021-08-02.

Conditions:
Charcot-Marie-Tooth disease type 2. Also called: Charcot-Marie-Tooth type 2. Identifiers: Orphanet 64746, MedGen C0270914, MONDO:0018993.

Allele frequency attached by ClinVar (database versions not stated): TOPMed 0.00001; gnomAD exomes below 0.00001.
gnomAD v4.1: 3 of 1,611,536 alleles (0.00019%); highest among the groups gnomAD compares: East Asian, 0.0022%; no homozygotes.

Submissions (2):

Ambry Genetics
Classification: Uncertain significance. Last evaluated: 2021-08-02. Review status: criteria provided, single submitter. Criteria: Ambry Variant Classification Scheme 2023. Collection method: clinical testing. Allele origin: germline.

Labcorp Genetics (formerly Invitae), Labcorp
Classification: Uncertain significance for Charcot-Marie-Tooth disease type 2. Last evaluated: 2020-11-14. Review status: criteria provided, single submitter. Criteria: Invitae Variant Classification Sherloc (09022015). Collection method: clinical testing. Allele origin: germline.
Comment: This sequence change replaces asparagine with lysine at codon 573 of the GARS protein (p.Asn573Lys). The asparagine residue is moderately conserved and there is a moderate physicochemical difference between asparagine and lysine. This variant is not present in population databases (ExAC no frequency). This variant has not been reported in the literature in individuals with a GARS-related disease. ClinVar contains an entry for this variant (Variation ID: 476753). Algorithms developed to predict the effect of missense changes on protein structure and function do not agree on the potential impact of this missense change (SIFT: "Tolerated"; PolyPhen-2: "Benign"; Align-GVGD: "Class C25"). Algorithms developed to predict the effect of sequence changes on RNA splicing suggest that this variant may create or strengthen a splice site, but this prediction has not been confirmed by published transcriptional studies. In summary, this variant has uncertain impact on GARS function. The available evidence is currently insufficient to determine its role in disease. Therefore, it has been classified as a Variant of Uncertain Significance.